The following is an entry in ClinVar:

ClinVar aggregate classification (germline): Uncertain significance. Review status: criteria provided, multiple submitters, no conflicts (2 of 4 stars). 3 submissions from 3 submitters: Uncertain significance (3). Last evaluated 2025-08-04.

Conditions:
BBS1-related disorder. Also called: BBS1-related condition.
Bardet-Biedl syndrome (BBS). Identifiers: Orphanet 110, MedGen C0752166, MONDO:0015229.

Allele frequency attached by ClinVar (database versions not stated): TOPMed below 0.00001.
gnomAD v4.1: 13 of 1,614,074 alleles (0.00081%); highest among the groups gnomAD compares: Middle Eastern, 0.033%; no homozygotes.

Submissions (3):

PreventionGenetics, part of Exact Sciences
Classification: Uncertain significance for BBS1-related condition. Last evaluated: 2025-08-04. Review status: criteria provided, single submitter. Criteria: ACMG Guidelines, 2015. Collection method: clinical testing. Allele origin: germline.
Comment: The BBS1 c.793G>A variant is predicted to result in the amino acid substitution p.Ala265Thr. To our knowledge, this variant has not been reported in the literature. This variant is reported in 0.0031% of alleles in individuals of European (Non-Finnish) descent in gnomAD. At this time, the clinical significance of this variant is uncertain due to the absence of conclusive functional and genetic evidence.

Labcorp Genetics (formerly Invitae), Labcorp
Classification: Uncertain significance for Bardet-Biedl syndrome. Last evaluated: 2024-12-16. Review status: criteria provided, single submitter. Criteria: Invitae Variant Classification Sherloc (09022015). Collection method: clinical testing. Allele origin: germline.
Comment: This sequence change replaces alanine, which is neutral and non-polar, with threonine, which is neutral and polar, at codon 265 of the BBS1 protein (p.Ala265Thr). The frequency data for this variant in the population databases is considered unreliable, as metrics indicate poor data quality at this position in the gnomAD database. This variant has not been reported in the literature in individuals affected with BBS1-related conditions. ClinVar contains an entry for this variant (Variation ID: 2039229). Invitae Evidence Modeling of protein sequence and biophysical properties (such as structural, functional, and spatial information, amino acid conservation, physicochemical variation, residue mobility, and thermodynamic stability) has been performed for this missense variant. However, the output from this modeling did not meet the statistical confidence thresholds required to predict the impact of this variant on BBS1 protein function. This variant disrupts the p.Ala265 amino acid residue in BBS1. Other variant(s) that disrupt this residue have been determined to be pathogenic (internal data). This suggests that this residue is clinically significant, and that variants that disrupt this residue are likely to be disease-causing. In summary, the available evidence is currently insufficient to determine the role of this variant in disease. Therefore, it has been classified as a Variant of Uncertain Significance.

Blueprint Genetics
Classification: Uncertain significance. Last evaluated: 2024-09-19. Review status: criteria provided, single submitter. Criteria: ACMG Guidelines, 2015. Collection method: clinical testing. Allele origin: germline.

NM_024649.5(BBS1):c.793G>A (p.Ala265Thr)

Genes: BBS1 (Bardet-Biedl syndrome 1; plus strand), ZDHHC24 (zDHHC palmitoyltransferase 24; minus strand). Cytogenetic location: 11q13.2.
Variant type: single nucleotide variant.
Coding change: c.793G>A on transcript NM_024649.5 (MANE Select); coding-DNA position 793, G replaced by A.
Protein change: p.Ala265Thr; replaces alanine 265 with threonine.
Molecular consequence: missense variant. On other transcripts: 3 prime UTR variant (1).
Genome position (GRCh38, 1-based): chr11:66,521,339, G>A. VCF-style: chr11-66521339-G-A. GRCh37 (hg19) VCF-style: chr11-66288810-G-A.
Other names: c.*149C>T (NM_001348571.2); short protein forms A265T.
Identifiers: ClinVar variation 2039229 (VCV002039229.4), dbSNP rs569184861, ClinGen allele CA6123493.
Genomic context (GRCh38, chr11:66,521,339, plus strand): 5'-CCCAGCGTCCCCGTCTTCCTAGAGGTTTCTGGCCAGTTTGATGTTGAGTTCCGGCTTGCC[G>A]CGGCCTGCCGCAATGGAAACATCTATATTCTGAGAAGGTAGCCACATCCGTGGTCTCCGG-3'
Protein context (NP_078925.3, residues 255-275): GQFDVEFRLA[Ala265Thr]ACRNGNIYIL